The following is an entry in ClinVar:

ClinVar aggregate classification (germline): Pathogenic/Likely pathogenic. Review status: criteria provided, multiple submitters, no conflicts (2 of 4 stars). 7 submissions from 7 submitters: Pathogenic (4); Likely pathogenic (1). 2 of the submissions do not count toward it. Last evaluated 2026-02-02.

Conditions:
Hereditary cancer-predisposing syndrome. Also called: Neoplastic Syndromes, Hereditary; Hereditary neoplastic syndrome; Tumor predisposition; Hereditary Cancer Syndrome. Identifiers: Orphanet 140162, MedGen C0027672, MeSH D009386, MONDO:0015356.
POLE-related polyposis and colorectal cancer syndrome. Identifiers: MedGen CN324030, MONDO:0100287.
POLE-related disorder. Also called: POLE-related condition; POLE-related disorders.
Intrauterine growth retardation, metaphyseal dysplasia, adrenal hypoplasia congenita, genital anomalies, and immunodeficiency. Also called: IMAGEI SYNDROME. Identifiers: MedGen C5193036, MONDO:0032684, OMIM 618336.

Allele frequency attached by ClinVar (database versions not stated): ExAC 0.00002; gnomAD 0.00004 and 0.00005; TOPMed 0.00006.
gnomAD v4.1: 131 of 1,601,236 alleles (0.0082%); highest among the groups gnomAD compares: Non-Finnish European, 0.011%; no homozygotes.

Submissions (7):

Labcorp Genetics (formerly Invitae), Labcorp
Classification: Pathogenic. Last evaluated: 2026-02-02. Review status: criteria provided, single submitter. Criteria: Invitae Variant Classification Sherloc (09022015). Collection method: clinical testing. Allele origin: germline.
Comment: This sequence change falls in intron 15 of the POLE gene. It does not directly change the encoded amino acid sequence of the POLE protein. RNA analysis indicates that this variant induces altered splicing and may result in an absent or altered protein product. This variant is present in population databases (rs762985435, gnomAD 0.007%). This variant has been observed in individual(s) with autosomal recessive FILS syndrome (facial dysmorphism, immunodeficiency, livedo, and short stature) (PMID: 29754823, 30503519, 35599849, 35860951). In at least one individual the data is consistent with being in trans (on the opposite chromosome) from a pathogenic variant. It has also been observed to segregate with disease in related individuals. However, it has not been observed in individuals with colonic adenomatous polyps or colon cancer. ClinVar contains an entry for this variant (Variation ID: 619085). Studies have shown that this variant results in activation of a cryptic splice site, and produces a non-functional protein and/or introduces a premature termination codon (PMID: 30503519; internal data). Missense variants that disrupt the 3'-5' exonuclease (proof-reading) activity of the POLE protein are associated with an increased risk for colonic adenomatous polyps and colon cancer (PMID: 23263490, 23447401). However, loss-of-function variants that result in an absent or severely disrupted POLE protein, and missense variants outside the exonuclease domain, are unlikely to be associated with polyposis or colon cancer. For these reasons, this variant has been classified as Pathogenic.

Ambry Genetics
Classification: Pathogenic for Hereditary cancer-predisposing syndrome. Last evaluated: 2025-05-07. Review status: criteria provided, single submitter. Criteria: Ambry Variant Classification Scheme 2023. Collection method: clinical testing. Allele origin: germline.
Comment: The c.1686+32C>G intronic variant results from a C to G substitution 32 nucleotides after coding exon 15 in the POLE gene. for autosomal recessive POLE deficiency; however, its clinical significance for autosomal dominant POLE-related polymerase proofreading-associated polyposis (PPAP) and POLE-related CMMRD-like syndrome is uncertain. Although biallelic loss of function of POLE has been associated with autosomal recessive POLE deficiency, haploinsufficiency of POLE has not been established as a mechanism of disease for PPAP and POLE-related CMMRD-like syndrome. This variant has been identified in conjunction with other POLE variants in individuals with features consistent with POLE deficiency; in at least one instance, the variants were identified in trans (Pedreira, 2004; Tan, 2006; Logan, 2018; Roberts, 2022). This nucleotide position is not well conserved in available vertebrate species. RNA studies have demonstrated that this alteration results in abnormal splicing in the set of samples tested (Ambry internal data). In silico splice site analysis for this alteration is inconclusive. Based on the available evidence, this alteration is classified as pathogenic.

Victorian Clinical Genetics Services, Murdoch Childrens Research Institute
Classification: Pathogenic for Intrauterine growth retardation, metaphyseal dysplasia, adrenal hypoplasia congenita, genital anomalies, and immunodeficiency. Last evaluated: 2024-10-09. Review status: criteria provided, single submitter. Criteria: ACMG Guidelines, 2015. Collection method: clinical testing. Allele origin: germline. Inheritance: Autosomal recessive inheritance. Affected: yes.
Comment: Based on the classification scheme VCGS_Germline_v1.3.4, this variant is classified as Pathogenic. Following criteria are met: 0102 - Loss of function is a known mechanism of disease in this gene and is associated with IMAGE-I syndrome (MIM#618336) and FILS syndrome (MIM#615139). (I) 0106 - This gene is associated with autosomal recessive disease. (I) 0217 - Non-coding variant with known effect. RT-PCR studies on patient fibroblasts showed that this variant creates a cryptic splice site leading to intron 15 retention and an NMD-predicted frameshift p.(Asn563Valfs*16) (PMID:30503519). (SP) 0251 - This variant is heterozygous. (I) 0304 - Variant is present in gnomAD (v2) <0.01 for a recessive condition (10 heterozygotes, 0 homozygotes). (SP) 0701 - Other NMD predicted variants comparable to the one identified in this case have very strong previous evidence for pathogenicity (DECIPHER). (SP) 0801 - This variant has strong previous evidence of pathogenicity in unrelated individuals. This variant has been observed in 11 unrelated individuals with IMAGE syndrome (PMID:30503519). (SP) 1101 - Very strong and specific phenotype match for this individual. (SP) 1201 - Heterozygous variant detected in trans with a second pathogenic heterozygous variant (c.2049C>G; p.(Tyr683*) in a recessive disease. (I) Legend: (SP) - Supporting pathogenic, (I) - Information, (SB) - Supporting benign

Greenwood Genetic Center Diagnostic Laboratories, Greenwood Genetic Center
Classification: Pathogenic for POLE-related disorders. Last evaluated: 2022-09-14. Review status: criteria provided, single submitter. Criteria: ACMG Guidelines, 2015. Collection method: clinical testing. Allele origin: germline. Affected: yes.
Comment: PM3_very_strong, PS3, PM2

Department of Pathology and Laboratory Medicine, Sinai Health System
Classification: Likely pathogenic for POLE-related polyposis and colorectal cancer syndrome. Review status: criteria provided, single submitter. Criteria: ACMG Guidelines, 2015. Collection method: clinical testing. Allele origin: germline.

PreventionGenetics, part of Exact Sciences
Classification: Pathogenic for POLE-related condition. Last evaluated: 2024-04-19. Review status: no assertion criteria provided. Collection method: clinical testing. Allele origin: germline. Not counted in ClinVar's aggregate classification.
Comment: The POLE c.1686+32C>G variant is predicted to interfere with splicing. This variant has been reported in multiple compound heterozygous individuals with IMAGE syndrome and functional studies support pathogenicity (Logan et al. 2018. PubMed ID: 30503519). This variant is reported in 0.0071% of alleles in individuals of European (Non-Finnish) descent in gnomAD and is interpreted as pathogenic in ClinVar. This variant is interpreted as pathogenic.

OMIM
Classification: Pathogenic for INTRAUTERINE GROWTH RETARDATION, METAPHYSEAL DYSPLASIA, ADRENAL HYPOPLASIA CONGENITA, GENITAL ANOMALIES, AND IMMUNODEFICIENCY. Last evaluated: 2019-02-26. Review status: no assertion criteria provided. Collection method: literature only. Allele origin: germline. Not counted in ClinVar's aggregate classification.

Literature cited by the submitters: PubMed 29754823 (cited by Labcorp Genetics (formerly Invitae), Labcorp); PubMed 30503519 (cited by 4 submitters); PubMed 35599849 (cited by Labcorp Genetics (formerly Invitae), Labcorp); PubMed 35860951 (cited by Labcorp Genetics (formerly Invitae), Labcorp and Ambry Genetics); PubMed 23263490 (cited by Labcorp Genetics (formerly Invitae), Labcorp); PubMed 23447401 (cited by Labcorp Genetics (formerly Invitae), Labcorp); PubMed 14760276 (cited by Ambry Genetics and OMIM); PubMed 16835919 (cited by Ambry Genetics and OMIM).

NM_006231.4(POLE):c.1686+32C>G

Gene: POLE (DNA polymerase epsilon, catalytic subunit; minus strand). Cytogenetic location: 12q24.33.
Variant type: single nucleotide variant.
Coding change: c.1686+32C>G on transcript NM_006231.4 (MANE Select); 32 bases into the intron after coding-DNA position 1686, C replaced by G.
Molecular consequence: intron variant.
Genome position (GRCh38, 1-based): chr12:132,672,595, G>C on the plus strand (C>G on the coding strand, the complement: POLE is on the minus strand). VCF-style: chr12-132672595-G-C. GRCh37 (hg19) VCF-style: chr12-133249181-G-C.
Other names: IVS15DS, C-G, +32 (rs762985435); c.1686+32C>G (NM_006231.2).
Identifiers: ClinVar variation 619085 (VCV000619085.54), dbSNP rs762985435, ClinGen allele CA6893882.